The following is an entry in ClinVar:

NM_015338.6(ASXL1):c.2708C>T (p.Ser903Leu)

Gene: ASXL1 (ASXL transcriptional regulator 1; plus strand). Cytogenetic location: 20q11.21.
Variant type: single nucleotide variant.
Coding change: c.2708C>T on transcript NM_015338.6 (MANE Select); coding-DNA position 2708, C replaced by T.
Protein change: p.Ser903Leu; replaces serine 903 with leucine.
Molecular consequence: missense variant.
Genome position (GRCh38, 1-based): chr20:32,435,420, C>T. VCF-style: chr20-32435420-C-T. GRCh37 (hg19) VCF-style: chr20-31023223-C-T.
Other names: c.2525C>T, p.Ser842Leu (NM_001363734.1); short protein forms S842L, S903L.
Identifiers: ClinVar variation 2962413 (VCV002962413.3), dbSNP rs754790367, ClinGen allele CA9808687.

ClinVar aggregate classification (germline): Uncertain significance (1 of 4 stars; one submission).

Allele frequency attached by ClinVar (database versions not stated): gnomAD 0.00001; ExAC 0.00002; TOPMed 0.00002.
gnomAD v4.1: 37 of 1,613,974 alleles (0.0023%); highest among the groups gnomAD compares: Middle Eastern, 0.016%; no homozygotes.

Submission:

Labcorp Genetics (formerly Invitae), Labcorp
Classification: Uncertain significance. Last evaluated: 2025-05-04. Review status: criteria provided, single submitter. Criteria: Invitae Variant Classification Sherloc (09022015). Collection method: clinical testing. Allele origin: germline.
Comment: This sequence change replaces serine, which is neutral and polar, with leucine, which is neutral and non-polar, at codon 903 of the ASXL1 protein (p.Ser903Leu). This variant is present in population databases (rs754790367, gnomAD 0.004%). This variant has not been reported in the literature in individuals affected with ASXL1-related conditions. ClinVar contains an entry for this variant (Variation ID: 2962413). An algorithm developed to predict the effect of missense changes on protein structure and function outputs the following: PolyPhen-2: "Benign". The leucine amino acid residue is found in multiple mammalian species, which suggests that this missense change does not adversely affect protein function. In summary, the available evidence is currently insufficient to determine the role of this variant in disease. Therefore, it has been classified as a Variant of Uncertain Significance.